The following is an entry in ClinVar:

NM_001846.4(COL4A2):c.4007G>A (p.Arg1336Lys)

Genes: COL4A2 (collagen type IV alpha 2 chain; plus strand), COL4A2-AS1 (COL4A2 antisense RNA 1; minus strand). Cytogenetic location: 13q34.
Variant type: single nucleotide variant.
Coding change: c.4007G>A on transcript NM_001846.4 (MANE Select); coding-DNA position 4007, G replaced by A.
Protein change: p.Arg1336Lys; replaces arginine 1336 with lysine.
Molecular consequence: missense variant.
Genome position (GRCh38, 1-based): chr13:110,503,250, G>A. VCF-style: chr13-110503250-G-A. GRCh37 (hg19) VCF-style: chr13-111155597-G-A.
Other names: short protein forms R1336K.
Identifiers: ClinVar variation 2269841 (VCV002269841.5), dbSNP rs372631674, ClinGen allele CA7050378.

ClinVar aggregate classification (germline): Uncertain significance. Review status: criteria provided, multiple submitters, no conflicts (2 of 4 stars). 3 submissions from 3 submitters: Uncertain significance (3). Last evaluated 2026-03-16.

Conditions:
Inborn genetic diseases. Identifiers: MedGen C0950123, MeSH D030342.

Allele frequency attached by ClinVar (database versions not stated): gnomAD 0.00002; ExAC 0.00005; TOPMed 0.00006; ESP Exome Variant Server 0.00017.
gnomAD v4.1: 41 of 1,609,474 alleles (0.0025%); highest among the groups gnomAD compares: Non-Finnish European, 0.0033%; no homozygotes.

Submissions (3):

GeneDx
Classification: Uncertain significance. Last evaluated: 2026-03-16. Review status: criteria provided, single submitter. Criteria: GeneDx Variant Classification Process June 2021. Collection method: clinical testing. Allele origin: germline.
Comment: In silico analysis suggests that this missense variant does not alter protein structure/function; Has not been previously published as pathogenic or benign to our knowledge

Women's Health and Genetics/Laboratory Corporation of America, LabCorp
Classification: Uncertain significance. Last evaluated: 2025-01-28. Review status: criteria provided, single submitter. Criteria: LabCorp Variant Classification Summary - May 2015. Collection method: clinical testing. Allele origin: germline.
Comment: Variant summary: COL4A2 c.4007G>A (p.Arg1336Lys) results in a conservative amino acid change located in the Collagen triple helix repeat region (IPR008160) of the encoded protein sequence. Five of five in-silico tools predict a benign effect of the variant on protein function. The variant allele was found at a frequency of 2.4e-05 in 245962 control chromosomes. The available data on variant occurrences in the general population are insufficient to allow any conclusion about variant significance. To our knowledge, no occurrence of c.4007G>A in individuals affected with Porencephaly 2 and no experimental evidence demonstrating its impact on protein function have been reported. ClinVar contains an entry for this variant (Variation ID: 2269841). Based on the evidence outlined above, the variant was classified as uncertain significance.

Ambry Genetics
Classification: Uncertain significance for Inborn genetic diseases. Last evaluated: 2022-01-04. Review status: criteria provided, single submitter. Criteria: Ambry Variant Classification Scheme 2023. Collection method: clinical testing. Allele origin: germline.